The following is an entry in ClinVar:

NM_000038.6(APC):c.5230A>G (p.Lys1744Glu)

Gene: APC (APC regulator of Wnt signaling pathway; plus strand). Cytogenetic location: 5q22.2.
Variant type: single nucleotide variant.
Coding change: c.5230A>G on transcript NM_000038.6 (MANE Select); coding-DNA position 5230, A replaced by G.
Protein change: p.Lys1744Glu; replaces lysine 1744 with glutamic acid.
Molecular consequence: missense variant.
Genome position (GRCh38, 1-based): chr5:112,840,824, A>G. VCF-style: chr5-112840824-A-G. GRCh37 (hg19) VCF-style: chr5-112176521-A-G.
Other names: c.5230A>G, p.Lys1744Glu (NM_001127510.3, NM_001354895.2); c.5176A>G, p.Lys1726Glu (NM_001127511.3); c.5284A>G, p.Lys1762Glu (NM_001354896.2); c.5260A>G, p.Lys1754Glu (NM_001354897.2); c.5155A>G, p.Lys1719Glu (NM_001354898.2); c.5146A>G, p.Lys1716Glu (NM_001354899.2); c.5107A>G, p.Lys1703Glu (NM_001354900.2); c.5053A>G, p.Lys1685Glu (NM_001354901.2); and 5 more; short protein forms K1685E, K1703E, K1716E, K1719E, K1461E, K1653E, K1744E, K1584E.
Identifiers: ClinVar variation 924014 (VCV000924014.4), dbSNP rs1765888489, ClinGen allele CA16032762.

ClinVar aggregate classification (germline): Uncertain significance (1 of 4 stars; one submission).

Conditions:
Hereditary cancer-predisposing syndrome. Also called: Neoplastic Syndromes, Hereditary; Tumor predisposition; Hereditary Cancer Syndrome; Hereditary neoplastic syndrome. Identifiers: Orphanet 140162, MedGen C0027672, MeSH D009386, MONDO:0015356.

Submission:

Color Diagnostics, LLC DBA Color Health
Classification: Uncertain significance for Hereditary cancer-predisposing syndrome. Last evaluated: 2023-12-05. Review status: criteria provided, single submitter. Criteria: ACMG Guidelines, 2015. Collection method: clinical testing. Allele origin: germline.
Comment: This missense variant replaces lysine with glutamic acid at codon 1744 of the APC protein. Computational prediction suggests that this variant may not impact protein structure and function (internally defined REVEL score threshold <= 0.5, PMID: 27666373). To our knowledge, functional studies have not been reported for this variant. This variant has not been reported in individuals affected with APC-related disorders in the literature. This variant has not been identified in the general population by the Genome Aggregation Database (gnomAD). The available evidence is insufficient to determine the role of this variant in disease conclusively. Therefore, this variant is classified as a Variant of Uncertain Significance.